The following is an entry in ClinVar:

NM_033028.5(BBS4):c.20C>G (p.Ala7Gly)

Gene: BBS4 (Bardet-Biedl syndrome 4; plus strand). Cytogenetic location: 15q24.1.
Variant type: single nucleotide variant.
Coding change: c.20C>G on transcript NM_033028.5 (MANE Select); coding-DNA position 20, C replaced by G.
Protein change: p.Ala7Gly; replaces alanine 7 with glycine.
Molecular consequence: missense variant. On other transcripts: 5 prime UTR variant (1), non-coding transcript variant (2).
Genome position (GRCh38, 1-based): chr15:72,686,247, C>G. VCF-style: chr15-72686247-C-G. GRCh37 (hg19) VCF-style: chr15-72978588-C-G.
Other names: c.-450C>G (NM_001252678.2); c.20C>G, p.Ala7Gly (NM_001320665.2); short protein forms A7G.
Identifiers: ClinVar variation 2073836 (VCV002073836.1), dbSNP rs113994186, ClinGen allele CA393075064.
Genomic context (GRCh38, chr15:72,686,247, plus strand): 5'-AACCGCCGACTTCCGGCCGCGCAGCGGTGGGCTGAGCTAAAATGGCTGAGGAGAGAGTCG[C>G]GACGGTGAGCGCCGAGATTCTCTTTAGTTGCCCGGCCGCAGGGCAAGGCAAGCTGGCGGG-3'
Protein context (NP_149017.2, residues 1-17): MAEERV[Ala7Gly]TRTQFPVSTE

ClinVar aggregate classification (germline): Uncertain significance (1 of 4 stars; one submission).

Conditions:
Bardet-Biedl syndrome (BBS). Identifiers: Orphanet 110, MedGen C0752166, MONDO:0015229.

gnomAD v4.1: 3 of 1,565,074 alleles (0.00019%); highest among the groups gnomAD compares: Non-Finnish European, 0.00026%; no homozygotes.

Submission:

Labcorp Genetics (formerly Invitae), Labcorp
Classification: Uncertain significance for Bardet-Biedl syndrome. Last evaluated: 2021-12-21. Review status: criteria provided, single submitter. Criteria: Invitae Variant Classification Sherloc (09022015). Collection method: clinical testing. Allele origin: germline.
Comment: This sequence change replaces alanine, which is neutral and non-polar, with glycine, which is neutral and non-polar, at codon 7 of the BBS4 protein (p.Ala7Gly). This variant is not present in population databases (gnomAD no frequency). This variant has not been reported in the literature in individuals affected with BBS4-related conditions. Algorithms developed to predict the effect of missense changes on protein structure and function output the following: SIFT: "Tolerated"; PolyPhen-2: "Benign"; Align-GVGD: "Class C0". The glycine amino acid residue is found in multiple mammalian species, which suggests that this missense change does not adversely affect protein function. In summary, the available evidence is currently insufficient to determine the role of this variant in disease. Therefore, it has been classified as a Variant of Uncertain Significance.